The following is an entry in ClinVar:

NM_007272.3(CTRC):c.170A>G (p.His57Arg)

Gene: CTRC (chymotrypsin C; plus strand). Cytogenetic location: 1p36.21.
Variant type: single nucleotide variant.
Coding change: c.170A>G on transcript NM_007272.3 (MANE Select); coding-DNA position 170, A replaced by G.
Protein change: p.His57Arg; replaces histidine 57 with arginine.
Molecular consequence: missense variant.
Genome position (GRCh38, 1-based): chr1:15,440,530, A>G. VCF-style: chr1-15440530-A-G. GRCh37 (hg19) VCF-style: chr1-15767026-A-G.
Other names: short protein forms H57R.
Identifiers: ClinVar variation 3226055 (VCV003226055.1), dbSNP rs866213803, ClinGen allele CA18250587.

ClinVar aggregate classification (germline): Uncertain significance (1 of 4 stars; one submission).

Conditions:
Hereditary pancreatitis (PCTT). Also called: Hereditary chronic pancreatitis; PRSS1-Related Hereditary Pancreatitis. Identifiers: Orphanet 676, MedGen C0238339, MONDO:0008185, OMIM 167800.

Submission:

Ambry Genetics
Classification: Uncertain significance for Hereditary pancreatitis. Last evaluated: 2022-11-07. Review status: criteria provided, single submitter. Criteria: Ambry Variant Classification Scheme 2023. Collection method: clinical testing. Allele origin: germline.
Comment: The p.H57R variant (also known as c.170A>G), located in coding exon 3 of the CTRC gene, results from an A to G substitution at nucleotide position 170. The histidine at codon 57 is replaced by arginine, an amino acid with highly similar properties. This amino acid position is conserved. In addition, this alteration is predicted to be deleterious by in silico analysis. Since supporting evidence is limited at this time, the clinical significance of this alteration remains unclear.